The following is an entry in ClinVar:

NM_053056.3(CCND1):c.638A>G (p.Gln213Arg)

Gene: CCND1 (cyclin D1; plus strand). Cytogenetic location: 11q13.3.
Variant type: single nucleotide variant.
Coding change: c.638A>G on transcript NM_053056.3 (MANE Select); coding-DNA position 638, A replaced by G.
Protein change: p.Gln213Arg; replaces glutamine 213 with arginine.
Molecular consequence: missense variant.
Genome position (GRCh38, 1-based): chr11:69,648,057, A>G. VCF-style: chr11-69648057-A-G. GRCh37 (hg19) VCF-style: chr11-69462825-A-G.
Other names: short protein forms Q213R.
Identifiers: ClinVar variation 4885607 (VCV004885607.2).

ClinVar aggregate classification (germline): Uncertain significance (1 of 4 stars; one submission).

Submission:

Dasa
Classification: Uncertain significance. Last evaluated: 2025-11-20. Review status: criteria provided, single submitter. Criteria: DASA Assertion Criteria. Collection method: clinical testing. Allele origin: germline.
Comment: NM_053056.3(CCND1):c.638A>G (p.Gln213Arg) is a missense variant that results in the substitution of glutamine with arginine. This variant is absent from population databases. Computational prediction algorithms are consistent with a benign effect. The currently available literature and clinical evidence are not sufficient to establish a definitive association between this variant and the reported condition. Therefore, this variant is classified as a variant of uncertain significance.